The following is an entry in ClinVar:

NM_014141.6(CNTNAP2):c.3385G>A (p.Asp1129Asn)

Gene: CNTNAP2 (contactin associated protein 2; plus strand). Cytogenetic location: 7q36.1.
Variant type: single nucleotide variant.
Coding change: c.3385G>A on transcript NM_014141.6 (MANE Select); coding-DNA position 3385, G replaced by A.
Protein change: p.Asp1129Asn; replaces aspartic acid 1129 with asparagine.
Molecular consequence: missense variant.
Genome position (GRCh38, 1-based): chr7:148,267,036, G>A. VCF-style: chr7-148267036-G-A. GRCh37 (hg19) VCF-style: chr7-147964128-G-A.
Other names: short protein forms D1129N.
Identifiers: ClinVar variation 910344 (VCV000910344.44), dbSNP rs781236853, ClinGen allele CA4546642.

ClinVar aggregate classification (germline): Uncertain significance. Review status: criteria provided, multiple submitters, no conflicts (2 of 4 stars). 3 submissions from 3 submitters: Uncertain significance (3). Last evaluated 2021-12-31.

Conditions:
Cortical dysplasia-focal epilepsy syndrome (PTHSL1). Also called: Pitt-Hopkins-like syndrome 1. Identifiers: Orphanet 163681, Orphanet 221150, MedGen C2750246, MONDO:0012400, OMIM 610042.

Allele frequency attached by ClinVar (database versions not stated): TOPMed 0.00001.
gnomAD v4.1: 5 of 1,614,060 alleles (0.00031%); highest among the groups gnomAD compares: Non-Finnish European, 0.00042%; no homozygotes.

Submissions (3):

Labcorp Genetics (formerly Invitae), Labcorp
Classification: Uncertain significance for Cortical dysplasia-focal epilepsy syndrome. Last evaluated: 2021-12-31. Review status: criteria provided, single submitter. Criteria: Invitae Variant Classification Sherloc (09022015). Collection method: clinical testing. Allele origin: germline.
Comment: Algorithms developed to predict the effect of missense changes on protein structure and function are either unavailable or do not agree on the potential impact of this missense change (SIFT: "Deleterious"; PolyPhen-2: "Possibly Damaging"; Align-GVGD: "Class C15"). In summary, the available evidence is currently insufficient to determine the role of this variant in disease. Therefore, it has been classified as a Variant of Uncertain Significance. Experimental studies are conflicting or provide insufficient evidence to determine the effect of this variant on CNTNAP2 function (PMID: 22872700). ClinVar contains an entry for this variant (Variation ID: 910344). This variant has not been reported in the literature in individuals affected with CNTNAP2-related conditions. This variant is present in population databases (rs781236853, gnomAD 0.002%). This sequence change replaces aspartic acid, which is acidic and polar, with asparagine, which is neutral and polar, at codon 1129 of the CNTNAP2 protein (p.Asp1129Asn).

CeGaT Center for Human Genetics Tuebingen
Classification: Uncertain significance. Last evaluated: 2021-08-01. Review status: criteria provided, single submitter. Criteria: CeGaT Center For Human Genetics Tuebingen Variant Classification Criteria Version 2. Collection method: clinical testing. Allele origin: germline. Affected: yes. Observed: 1 variant allele.

Illumina Laboratory Services, Illumina
Classification: Uncertain significance for Cortical dysplasia-focal epilepsy syndrome. Last evaluated: 2017-04-27. Review status: criteria provided, single submitter. Criteria: ICSL Variant Classification Criteria 13 December 2019. Collection method: clinical testing. Allele origin: germline.

Literature cited by the submitters: PubMed 22872700 (cited by Labcorp Genetics (formerly Invitae), Labcorp).